The following is an entry in ClinVar:

ClinVar aggregate classification (germline): Uncertain significance (1 of 4 stars; one submission).

Conditions:
Immunodeficiency 35 (IMD35). Also called: HIES WITH ATYPICAL MYCOBACTERIOSIS, AUTOSOMAL RECESSIVE; HYPER-IgE SYNDROME WITH ATYPICAL MYCOBACTERIOSIS, AUTOSOMAL RECESSIVE; Susceptibility to infection due to TYK2 deficiency; TYK2 DEFICIENCY. Identifiers: Orphanet 331226, MedGen C1969086, MONDO:0012682, OMIM 611521.

Allele frequency attached by ClinVar (database versions not stated): ExAC 0.00003; TOPMed 0.00003; gnomAD 0.00006.
gnomAD v4.1: 27 of 1,612,208 alleles (0.0017%); highest among the groups gnomAD compares: South Asian, 0.014%; no homozygotes.

Submission:

Labcorp Genetics (formerly Invitae), Labcorp
Classification: Uncertain significance for Immunodeficiency 35. Last evaluated: 2022-10-17. Review status: criteria provided, single submitter. Criteria: Invitae Variant Classification Sherloc (09022015). Collection method: clinical testing. Allele origin: germline.
Comment: In summary, the available evidence is currently insufficient to determine the role of this variant in disease. Therefore, it has been classified as a Variant of Uncertain Significance. Advanced modeling of protein sequence and biophysical properties (such as structural, functional, and spatial information, amino acid conservation, physicochemical variation, residue mobility, and thermodynamic stability) performed at Invitae indicates that this missense variant is not expected to disrupt TYK2 protein function. This variant has not been reported in the literature in individuals affected with TYK2-related conditions. This variant is present in population databases (rs769396613, gnomAD 0.01%). This sequence change replaces arginine, which is basic and polar, with histidine, which is basic and polar, at codon 239 of the TYK2 protein (p.Arg239His).

NM_003331.5(TYK2):c.716G>A (p.Arg239His)

Gene: TYK2 (tyrosine kinase 2; minus strand). Cytogenetic location: 19p13.2.
Variant type: single nucleotide variant.
Coding change: c.716G>A on transcript NM_003331.5 (MANE Select); coding-DNA position 716, G replaced by A.
Protein change: p.Arg239His; replaces arginine 239 with histidine.
Molecular consequence: missense variant. On other transcripts: intron variant (1).
Genome position (GRCh38, 1-based): chr19:10,365,812, C>T on the plus strand (G>A on the coding strand, the complement: TYK2 is on the minus strand). VCF-style: chr19-10365812-C-T. GRCh37 (hg19) VCF-style: chr19-10476488-C-T.
Other names: c.716G>A, p.Arg239His (NM_001385197.1, NM_001385198.1, NM_001385199.1 and 8 more transcripts); c.630-4G>A (NM_001385205.1); short protein forms R239H.
Identifiers: ClinVar variation 2156837 (VCV002156837.4), dbSNP rs769396613, ClinGen allele CA9193635.
Genomic context (GRCh38, chr19:10,365,812, plus strand): 5'-TATTTGACCATGACCATCTGCTGGGAGAGTCGGCCCGGCTGGAAGTCCCGCAGGAACCTG[C>T]GGAAGACGTTCCGAAGGCGCAGCCGGGTCAGGGCGCTGTGCTGCCGGATATGCCGGCGGA-3'
Protein context (NP_003322.3, residues 229-249): LTRLRLRNVF[Arg239His]RFLRDFQPGR